The following is an entry in ClinVar:

NM_006343.3(MERTK):c.880A>C (p.Asn294His)

Gene: MERTK (MER proto-oncogene, tyrosine kinase; plus strand). Cytogenetic location: 2q13.
Variant type: single nucleotide variant.
Coding change: c.880A>C on transcript NM_006343.3 (MANE Select); coding-DNA position 880, A replaced by C.
Protein change: p.Asn294His; replaces asparagine 294 with histidine.
Molecular consequence: missense variant.
Genome position (GRCh38, 1-based): chr2:111,968,172, A>C. VCF-style: chr2-111968172-A-C. GRCh37 (hg19) VCF-style: chr2-112725749-A-C.
Other names: short protein forms N294H.
Identifiers: ClinVar variation 2022573 (VCV002022573.5), dbSNP rs777888162, ClinGen allele CA1831221.

ClinVar aggregate classification (germline): Uncertain significance. Review status: criteria provided, multiple submitters, no conflicts (2 of 4 stars). 2 submissions from 2 submitters: Uncertain significance (2). Last evaluated 2021-12-01.

Allele frequency attached by ClinVar (database versions not stated): ExAC 0.00001; TOPMed 0.00002; gnomAD 0.00003.
gnomAD v4.1: 8 of 1,613,898 alleles (0.0005%); highest among the groups gnomAD compares: African/African-American, 0.008%; no homozygotes.

Submissions (2):

Labcorp Genetics (formerly Invitae), Labcorp
Classification: Uncertain significance. Last evaluated: 2021-12-01. Review status: criteria provided, single submitter. Criteria: Invitae Variant Classification Sherloc (09022015). Collection method: clinical testing. Allele origin: germline.
Comment: In summary, the available evidence is currently insufficient to determine the role of this variant in disease. Therefore, it has been classified as a Variant of Uncertain Significance. Algorithms developed to predict the effect of missense changes on protein structure and function (SIFT, PolyPhen-2, Align-GVGD) all suggest that this variant is likely to be disruptive. This variant has not been reported in the literature in individuals affected with MERTK-related conditions. This variant is present in population databases (rs777888162, gnomAD 0.008%). This sequence change replaces asparagine, which is neutral and polar, with histidine, which is basic and polar, at codon 294 of the MERTK protein (p.Asn294His).

Blueprint Genetics
Classification: Uncertain significance. Last evaluated: 2019-11-08. Review status: criteria provided, single submitter. Criteria: ACMG Guidelines, 2015. Collection method: clinical testing. Allele origin: germline.